The following is an entry in ClinVar:

ClinVar aggregate classification (germline): Uncertain significance (1 of 4 stars; one submission).

Allele frequency attached by ClinVar (database versions not stated): gnomAD exomes below 0.00001 and 0.00001; ExAC 0.00001; gnomAD 0.00001.
gnomAD v4.1: 7 of 1,613,744 alleles (0.00043%); highest among the groups gnomAD compares: Non-Finnish European, 0.00059%; no homozygotes.

Submission:

Labcorp Genetics (formerly Invitae), Labcorp
Classification: Uncertain significance. Last evaluated: 2022-02-10. Review status: criteria provided, single submitter. Criteria: Invitae Variant Classification Sherloc (09022015). Collection method: clinical testing. Allele origin: germline.
Comment: This variant has not been reported in the literature in individuals affected with IMPG2-related conditions. In summary, the available evidence is currently insufficient to determine the role of this variant in disease. Therefore, it has been classified as a Variant of Uncertain Significance. Algorithms developed to predict the effect of missense changes on protein structure and function (SIFT, PolyPhen-2, Align-GVGD) all suggest that this variant is likely to be disruptive. ClinVar contains an entry for this variant (Variation ID: 852745). This variant is present in population databases (rs780597140, gnomAD 0.002%). This sequence change replaces alanine, which is neutral and non-polar, with glycine, which is neutral and non-polar, at codon 1011 of the IMPG2 protein (p.Ala1011Gly).

NM_016247.4(IMPG2):c.3032C>G (p.Ala1011Gly)

Gene: IMPG2 (interphotoreceptor matrix proteoglycan 2; minus strand). Cytogenetic location: 3q12.3.
Variant type: single nucleotide variant.
Coding change: c.3032C>G on transcript NM_016247.4 (MANE Select); coding-DNA position 3032, C replaced by G.
Protein change: p.Ala1011Gly; replaces alanine 1011 with glycine.
Molecular consequence: missense variant.
Genome position (GRCh38, 1-based): chr3:101,232,982, G>C on the plus strand (C>G on the coding strand, the complement: IMPG2 is on the minus strand). VCF-style: chr3-101232982-G-C. GRCh37 (hg19) VCF-style: chr3-100951826-G-C.
Other names: short protein forms A1011G.
Identifiers: ClinVar variation 852745 (VCV000852745.9), dbSNP rs780597140, ClinGen allele CA2518841.
Genomic context (GRCh38, chr3:101,232,982, plus strand): 5'-CTCCAGGGGTTGACCAGACACTCTGAAAATTCATTACAGGCCTGAAACTTGCAAGGGTTG[G>C]CTTCATCACCTAAAACATTAAACAAAGAATAATGCAAGAAAAGGCAAAACACAGAAACTG-3'
Protein context (NP_057331.2, residues 1001-1021): YSLDVESGDE[Ala1011Gly]NPCKFQACNE